The following is an entry in ClinVar:

ClinVar aggregate classification (germline): Uncertain significance (1 of 4 stars; one submission).

Conditions:
Hereditary cancer-predisposing syndrome. Also called: Neoplastic Syndromes, Hereditary; Tumor predisposition; Hereditary Cancer Syndrome; Hereditary neoplastic syndrome. Identifiers: Orphanet 140162, MedGen C0027672, MeSH D009386, MONDO:0015356.

Submission:

Ambry Genetics
Classification: Uncertain significance for Hereditary cancer-predisposing syndrome. Last evaluated: 2026-07-30. Review status: criteria provided, single submitter. Criteria: Ambry Variant Classification Scheme 2023. Collection method: clinical testing. Allele origin: germline.
Comment: The p.S612Y variant (also known as c.1835C>A), located in coding exon 19 of the RB1 gene, results from a C to A substitution at nucleotide position 1835. The serine at codon 612 is replaced by tyrosine, an amino acid with dissimilar properties. This amino acid position is highly conserved in available vertebrate species. In addition, this alteration is predicted to be deleterious by in silico analysis. Based on the available evidence, the clinical significance of this variant remains unclear.

NM_000321.3(RB1):c.1835C>A (p.Ser612Tyr)

Gene: RB1 (RB transcriptional corepressor 1; plus strand). Cytogenetic location: 13q14.2.
Variant type: single nucleotide variant.
Coding change: c.1835C>A on transcript NM_000321.3 (MANE Select); coding-DNA position 1835, C replaced by A.
Protein change: p.Ser612Tyr; replaces serine 612 with tyrosine.
Molecular consequence: missense variant.
Genome position (GRCh38, 1-based): chr13:48,456,224, C>A. VCF-style: chr13-48456224-C-A. GRCh37 (hg19) VCF-style: chr13-49030360-C-A.
Other names: c.1835C>A, p.Ser612Tyr (NM_001407165.1); short protein forms S612Y.
Identifiers: ClinVar variation 3313025 (VCV003313025.2).
Genomic context (GRCh38, chr13:48,456,224, plus strand): 5'-GCCAACTTGAAATGAAGACTTTTCCTTTAAATATATCTAGGTATCTTTCTCCTGTAAGAT[C>A]TCCAAAGAAAAAAGGTTCAACTACGCGTGTAAATTCTACTGCAAATGCAGAGACACAAGC-3'
Protein context (NP_000312.2, residues 602-622): AADMYLSPVR[Ser612Tyr]PKKKGSTTRV